The following is an entry in ClinVar:

ClinVar aggregate classification (germline): Uncertain significance (1 of 4 stars; one submission).

Conditions:
Nemaline myopathy 2 (NEM2). Also called: Nemaline myopathy 2, autosomal recessive. Identifiers: MedGen C1850569, MONDO:0009725, OMIM 256030.

Allele frequency attached by ClinVar (database versions not stated): gnomAD exomes below 0.00001.
gnomAD v4.1: 1 of 1,613,910 alleles (0.000062%); highest among the groups gnomAD compares: South Asian, 0.0011%; no homozygotes.

Submission:

Labcorp Genetics (formerly Invitae), Labcorp
Classification: Uncertain significance for Nemaline myopathy 2. Last evaluated: 2024-10-18. Review status: criteria provided, single submitter. Criteria: Invitae Variant Classification Sherloc (09022015). Collection method: clinical testing. Allele origin: germline.
Comment: This sequence change replaces phenylalanine, which is neutral and non-polar, with leucine, which is neutral and non-polar, at codon 4051 of the NEB protein (p.Phe4051Leu). This variant is present in population databases (no rsID available, gnomAD 0.003%). This variant has not been reported in the literature in individuals affected with NEB-related conditions. ClinVar contains an entry for this variant (Variation ID: 2000830). Experimental studies and prediction algorithms are not available or were not evaluated, and the functional significance of this variant is currently unknown. In summary, the available evidence is currently insufficient to determine the role of this variant in disease. Therefore, it has been classified as a Variant of Uncertain Significance.

NM_001164508.2(NEB):c.12151T>C (p.Phe4051Leu)

Gene: NEB (nebulin; minus strand). Cytogenetic location: 2q23.3.
Variant type: single nucleotide variant.
Coding change: c.12151T>C on transcript NM_001164508.2 (MANE Select); coding-DNA position 12151, T replaced by C.
Protein change: p.Phe4051Leu; replaces phenylalanine 4051 with leucine.
Molecular consequence: missense variant.
Genome position (GRCh38, 1-based): chr2:151,609,988, A>G on the plus strand (T>C on the coding strand, the complement: NEB is on the minus strand). VCF-style: chr2-151609988-A-G. GRCh37 (hg19) VCF-style: chr2-152466502-A-G.
Other names: c.12151T>C, p.Phe4051Leu (NM_001164507.2, NM_001271208.2); c.11422T>C, p.Phe3808Leu (NM_004543.5); short protein forms F3808L, F4051L.
Identifiers: ClinVar variation 2000830 (VCV002000830.4), dbSNP rs1338880208, ClinGen allele CA348777426.